The following is an entry in ClinVar:

ClinVar aggregate classification (germline): Uncertain significance (1 of 4 stars; one submission).

Submission:

Labcorp Genetics (formerly Invitae), Labcorp
Classification: Uncertain significance. Last evaluated: 2025-09-15. Review status: criteria provided, single submitter. Criteria: Invitae Variant Classification Sherloc (09022015). Collection method: clinical testing. Allele origin: germline.
Comment: This sequence change falls in intron 81 of the HSPG2 gene. It does not directly change the encoded amino acid sequence of the HSPG2 protein. It affects a nucleotide within the consensus splice site. This variant is not present in population databases (gnomAD no frequency). This variant has not been reported in the literature in individuals affected with HSPG2-related conditions. Variants that disrupt the consensus splice site are a relatively common cause of aberrant splicing (PMID: 17576681, 9536098). Algorithms developed to predict the effect of sequence changes on RNA splicing suggest that this variant may disrupt the consensus splice site. In summary, the available evidence is currently insufficient to determine the role of this variant in disease. Therefore, it has been classified as a Variant of Uncertain Significance.

Literature cited by the submitters: PubMed 17576681; PubMed 9536098.

NM_005529.7(HSPG2):c.11208-3C>G

Gene: HSPG2 (heparan sulfate proteoglycan 2; minus strand). Cytogenetic location: 1p36.12.
Variant type: single nucleotide variant.
Coding change: c.11208-3C>G on transcript NM_005529.7 (MANE Select); 3 bases into the intron before coding-DNA position 11208, C replaced by G.
Molecular consequence: intron variant.
Genome position (GRCh38, 1-based): chr1:21,831,799, G>C on the plus strand (C>G on the coding strand, the complement: HSPG2 is on the minus strand). VCF-style: chr1-21831799-G-C. GRCh37 (hg19) VCF-style: chr1-22158292-G-C.
Other names: c.11211-3C>G (NM_001291860.2).
Identifiers: ClinVar variation 4726849 (VCV004726849.1).
Genomic context (GRCh38, chr1:21,831,799, plus strand): 5'-GCCCAGGGCCAGTGGTGTGGGATGGCGGATGGTGGCCATGCCTGAGCCTGCATCGAACCT[G>C]CTCCGTGGGGCAGGCCGGGGCAGGAGAGAGTGGATAGGGGGTTTGTAAGAAGGGCTAGGG-3'